The following is an entry in ClinVar:

NM_000059.4(BRCA2):c.4358A>G (p.Lys1453Arg)

Gene: BRCA2 (BRCA2 DNA repair associated; plus strand). Cytogenetic location: 13q13.1.
Variant type: single nucleotide variant.
Coding change: c.4358A>G on transcript NM_000059.4 (MANE Select); coding-DNA position 4358, A replaced by G.
Protein change: p.Lys1453Arg; replaces lysine 1453 with arginine.
Molecular consequence: missense variant.
Genome position (GRCh38, 1-based): chr13:32,338,713, A>G. VCF-style: chr13-32338713-A-G. GRCh37 (hg19) VCF-style: chr13-32912850-A-G.
Other names: short protein forms K1453R.
Identifiers: ClinVar variation 1027313 (VCV001027313.13), dbSNP rs2072502303, ClinGen allele CA387780955.

ClinVar aggregate classification (germline): Conflicting classifications of pathogenicity. Review status: criteria provided, conflicting classifications (1 of 4 stars). 2 submissions from 2 submitters: Uncertain significance (1); Likely benign (1). Last evaluated 2023-03-23.

Conditions:
Hereditary cancer-predisposing syndrome. Also called: Neoplastic Syndromes, Hereditary; Tumor predisposition; Hereditary Cancer Syndrome; Hereditary neoplastic syndrome. Identifiers: Orphanet 140162, MedGen C0027672, MeSH D009386, MONDO:0015356.
Hereditary breast ovarian cancer syndrome. Also called: Hereditary breast and ovarian cancer; Hereditary breast and ovarian cancer syndrome (HBOC); Hereditary breast and ovarian cancer syndrome; BRCA1- and BRCA2-Associated Hereditary Breast and Ovarian Cancer; Hereditary breast and/or ovarian cancer syndrome; Breast and ovarian cancer. Identifiers: Orphanet 145, MedGen C0677776, MeSH D061325, MONDO:0003582. Disease mechanism: loss of function.

Submissions (2):

University of Washington Department of Laboratory Medicine, University of Washington
Classification: Likely benign for Hereditary cancer-predisposing syndrome. Last evaluated: 2023-03-23. Review status: criteria provided, single submitter. Criteria: Dines et al. (Genet Med. 2020). Collection method: curation. Allele origin: germline.
Comment: Missense variant in a coldspot region where missense variants are very unlikely to be pathogenic (PMID:31911673).

BRCA2 exon 11 coldspot. Reclassification based on statistical prior probability.

Labcorp Genetics (formerly Invitae), Labcorp
Classification: Uncertain significance for Hereditary breast ovarian cancer syndrome. Last evaluated: 2020-02-17. Review status: criteria provided, single submitter. Criteria: Invitae Variant Classification Sherloc (09022015). Collection method: clinical testing. Allele origin: germline.
Comment: This variant has not been reported in the literature in individuals with BRCA2-related conditions. This sequence change replaces lysine with arginine at codon 1453 of the BRCA2 protein (p.Lys1453Arg). The lysine residue is weakly conserved and there is a small physicochemical difference between lysine and arginine. This variant is not present in population databases (ExAC no frequency). Algorithms developed to predict the effect of missense changes on protein structure and function are either unavailable or do not agree on the potential impact of this missense change (SIFT: "Tolerated"; PolyPhen-2: "Possibly Damaging"; Align-GVGD: "Class C0"). In summary, the available evidence is currently insufficient to determine the role of this variant in disease. Therefore, it has been classified as a Variant of Uncertain Significance.